The following is an entry in ClinVar:

NM_001165963.4(SCN1A):c.602+5G>C

Gene: SCN1A (sodium voltage-gated channel alpha subunit 1; minus strand). Cytogenetic location: 2q24.3.
Variant type: single nucleotide variant.
Coding change: c.602+5G>C on transcript NM_001165963.4 (MANE Select); 5 bases into the intron after coding-DNA position 602, G replaced by C.
Molecular consequence: intron variant.
Genome position (GRCh38, 1-based): chr2:166,054,633, C>G on the plus strand (G>C on the coding strand, the complement: SCN1A is on the minus strand). VCF-style: chr2-166054633-C-G. GRCh37 (hg19) VCF-style: chr2-166911143-C-G.
Other names: c.602+5G>C (NM_001353949.2, NM_001353958.2, NM_001353950.2 and 10 more transcripts); c.-1824+5G>C (NM_001353961.2).
Identifiers: ClinVar variation 1959428 (VCV001959428.5), dbSNP rs2468246115, ClinGen allele CA2580064308.

ClinVar aggregate classification (germline): Pathogenic (1 of 4 stars; one submission).

Conditions:
Early-infantile DEE. Also called: Ohtahara syndrome; Early infantile epileptic encephalopathy with suppression bursts; Early infantile epileptic encephalopathy. Identifiers: Orphanet 1934, MedGen C0393706, MONDO:0800491.

Submission:

Labcorp Genetics (formerly Invitae), Labcorp
Classification: Pathogenic for Early-infantile DEE. Last evaluated: 2022-07-05. Review status: criteria provided, single submitter. Criteria: Invitae Variant Classification Sherloc (09022015). Collection method: clinical testing. Allele origin: germline.
Comment: For these reasons, this variant has been classified as Pathogenic. Variants that disrupt the consensus splice site are a relatively common cause of aberrant splicing (PMID: 17576681, 9536098). Algorithms developed to predict the effect of sequence changes on RNA splicing suggest that this variant may disrupt the consensus splice site. This variant has been observed in individual(s) with clinical features of epileptic encephalopathy with cerebellar atrophy (Invitae). In at least one individual the variant was observed to be de novo. This variant is not present in population databases (gnomAD no frequency). This sequence change falls in intron 4 of the SCN1A gene. It does not directly change the encoded amino acid sequence of the SCN1A protein. It affects a nucleotide within the consensus splice site.

Literature cited by the submitters: PubMed 17576681; PubMed 9536098.